The following is an entry in ClinVar:

ClinVar aggregate classification (germline): Uncertain significance. Review status: criteria provided, multiple submitters, no conflicts (2 of 4 stars). 4 submissions from 4 submitters: Uncertain significance (4). Last evaluated 2026-06-15.

Conditions:
PLEC-related disorder. Also called: PLEC-related disorders; PLEC-related condition.
Autosomal recessive limb-girdle muscular dystrophy type 2Q (LGMDR17). Also called: MUSCULAR DYSTROPHY, LIMB-GIRDLE, AUTOSOMAL RECESSIVE 17. Identifiers: Orphanet 254361, MedGen C3150989, MONDO:0013390, OMIM 613723.
Epidermolysis bullosa simplex with nail dystrophy (EBS5D). Identifiers: MedGen C4225309, MONDO:0014661, OMIM 616487.
Epidermolysis bullosa simplex 5C, with pyloric atresia (EBS5C). Also called: PLEC-Related Epidermolysis Bullosa with Pyloric Atresia; Epidermolysis bullosa simplex with pyloric atresia; PLEC1-Related Epidermolysis Bullosa with Pyloric Atresia. Identifiers: Orphanet 158684, MedGen C2677349, MONDO:0012807, OMIM 612138.
Epidermolysis bullosa simplex, Ogna type (EBS5A). Also called: Pidermolysis bullosa simplex 5A, Ogna type; EPIDERMOLYSIS BULLOSA SIMPLEX 5A, OGNA TYPE. Identifiers: Orphanet 79401, MedGen C0432317, MONDO:0007555, OMIM 131950.
Epidermolysis bullosa simplex 5B, with muscular dystrophy (EBS5B). Also called: EPIDERMOLYSIS BULLOSA SIMPLEX AND LIMB-GIRDLE MUSCULAR DYSTROPHY; Epidermolysis bullosa simplex with muscular dystrophy. Identifiers: Orphanet 257, MedGen C2931072, MONDO:0009181, OMIM 226670.

Submissions (4):

PreventionGenetics, part of Exact Sciences
Classification: Uncertain significance for PLEC-related condition. Last evaluated: 2026-06-15. Review status: criteria provided, single submitter. Criteria: ACMG Guidelines, 2015. Collection method: clinical testing. Allele origin: germline.
Comment: The PLEC c.5084_5086delAGG variant is predicted to result in an in-frame deletion (p.Glu1695del). To our knowledge, this variant has not been reported in the literature. This variant is reported in 0.012% of alleles in individuals of European (Non-Finnish) descent in gnomAD. At this time, the clinical significance of this variant is uncertain due to the absence of conclusive functional and genetic evidence.

Labcorp Genetics (formerly Invitae), Labcorp
Classification: Uncertain significance for Autosomal recessive limb-girdle muscular dystrophy type 2Q; Epidermolysis bullosa simplex, Ogna type; Epidermolysis bullosa simplex with nail dystrophy; Epidermolysis bullosa simplex 5C, with pyloric atresia; Epidermolysis bullosa simplex 5B, with muscular dystrophy. Last evaluated: 2026-02-01. Review status: criteria provided, single submitter. Criteria: Invitae Variant Classification Sherloc (09022015). Collection method: clinical testing. Allele origin: germline.
Comment: This variant, c.5084_5086del, results in the deletion of 1 amino acid(s) of the PLEC protein (p.Glu1695del), but otherwise preserves the integrity of the reading frame. This variant is present in population databases (rs782362153, gnomAD 0.01%). This variant has not been reported in the literature in individuals affected with PLEC-related conditions. ClinVar contains an entry for this variant (Variation ID: 471598). Experimental studies and prediction algorithms are not available or were not evaluated, and the functional significance of this variant is currently unknown. In summary, the available evidence is currently insufficient to determine the role of this variant in disease. Therefore, it has been classified as a Variant of Uncertain Significance.

Mayo Clinic Laboratories, Mayo Clinic
Classification: Uncertain significance. Last evaluated: 2025-09-11. Review status: criteria provided, single submitter. Criteria: ACMG Guidelines, 2015. Collection method: clinical testing. Allele origin: germline. Observed: 1 variant allele.

Eurofins Ntd Llc (ga)
Classification: Uncertain significance. Last evaluated: 2016-11-16. Review status: criteria provided, single submitter. Criteria: EGL Classification Definitions 2015. Collection method: clinical testing. Allele origin: germline. Observed: 2 variant alleles, 1 heterozygote.

NM_201384.3(PLEC):c.4997AGG[2] (p.Glu1668del)

Gene: PLEC (plectin; minus strand). Cytogenetic location: 8q24.3.
Variant type: Microsatellite.
Coding change: c.4997AGG[2] on transcript NM_201384.3 (MANE Select); two copies in a row of the 3-base unit AGG starting at c.4997; the reference has three copies in a row; one copy, 3 bases deleted.
Protein change: p.Glu1668del; deletes glutamic acid 1668.
Molecular consequence: inframe deletion.
Genome position (GRCh38, 1-based): chr8:143,924,924-143,924,926, CCT deleted on the plus strand (AGG on the coding strand, the reverse complement: PLEC is on the minus strand); deleting any 3 consecutive bases within chr8:143,924,924-143,924,932 gives the same sequence; the position shown is the placement nearest the transcript's 3' end. VCF-style (leftmost placement, unchanged base first): chr8-143924923-GCCT-G. GRCh37 (hg19) VCF-style: chr8-144999091-GCCT-G.
Other names: p.Glu1695del; c.5084_5086del (NM_000445.4, NM_000445.5); c.5078AGG[2], p.Glu1695del (NM_000445.5); c.4955AGG[2], p.Glu1654del (NM_201378.4); c.4931AGG[2], p.Glu1646del (NM_201379.3); c.5408AGG[2], p.Glu1805del (NM_201380.4); c.4901AGG[2], p.Glu1636del (NM_201381.3); c.4997AGG[2], p.Glu1668del (NM_201382.4); and 1 more; short protein forms E1654del, E1636del, E1668del, E1672del, E1805del, E1646del, E1695del.
Identifiers: ClinVar variation 471598 (VCV000471598.12), dbSNP rs782362153, ClinGen allele CA4926467.